The following is an entry in ClinVar:

ClinVar aggregate classification (germline): Uncertain significance. Review status: criteria provided, multiple submitters, no conflicts (2 of 4 stars). 2 submissions from 2 submitters: Uncertain significance (2). Last evaluated 2024-05-15.

Conditions:
Hereditary sensory and autonomic neuropathy type 6. Also called: HSAN VI; Neuropathy, hereditary sensory and autonomic, type VI. Identifiers: Orphanet 314381, MedGen C3539003, MONDO:0013839, OMIM 614653.
Epidermolysis bullosa simplex 3, localized or generalized intermediate, with BP230 deficiency (EBS3). Also called: Epidermolysis bullosa simplex, autosomal recessive 2; Epidermolysis bullosa simplex due to BP230 deficiency. Identifiers: Orphanet 412181, MedGen C3809470, MONDO:0014180, OMIM 615425.

Allele frequency attached by ClinVar (database versions not stated): gnomAD exomes 0.00001; ExAC 0.00002; gnomAD 0.00003 and 0.00004; TOPMed 0.00005.

Submissions (2):

Labcorp Genetics (formerly Invitae), Labcorp
Classification: Uncertain significance for Epidermolysis bullosa simplex 3, localized or generalized intermediate, with BP230 deficiency; Hereditary sensory and autonomic neuropathy type 6. Last evaluated: 2024-05-15. Review status: criteria provided, single submitter. Criteria: Invitae Variant Classification Sherloc (09022015). Collection method: clinical testing. Allele origin: germline.
Comment: This sequence change replaces arginine, which is basic and polar, with histidine, which is basic and polar, at codon 162 of the DST protein (p.Arg162His). This variant is present in population databases (rs767792412, gnomAD 0.01%). This variant has not been reported in the literature in individuals affected with DST-related conditions. ClinVar contains an entry for this variant (Variation ID: 1476777). An algorithm developed to predict the effect of missense changes on protein structure and function (PolyPhen-2) suggests that this variant is likely to be tolerated. In summary, the available evidence is currently insufficient to determine the role of this variant in disease. Therefore, it has been classified as a Variant of Uncertain Significance.

Juno Genomics, Hangzhou Juno Genomics, Inc
Classification: Uncertain significance for Hereditary sensory and autonomic neuropathy type 6; Epidermolysis bullosa simplex 3, localized or generalized intermediate, with BP230 deficiency. Review status: criteria provided, single submitter. Criteria: ACMG Guidelines, 2015. Collection method: clinical testing. Allele origin: germline. Affected: yes.
Comment: Absent from controls (or at extremely low frequency if recessive) in Genome Aggregation Database, Exome Sequencing Project, 1000 Genomes Project, or Exome Aggregation Consortium.;Patient's phenotype or family history is highly specific for a disease with a single genetic etiology.

NM_001374736.1(DST):c.2096G>A (p.Arg699His)

Gene: DST (dystonin; minus strand). Cytogenetic location: 6p12.1.
Variant type: single nucleotide variant.
Coding change: c.2096G>A on transcript NM_001374736.1 (MANE Select); coding-DNA position 2096, G replaced by A.
Protein change: p.Arg699His; replaces arginine 699 with histidine.
Molecular consequence: missense variant.
Genome position (GRCh38, 1-based): chr6:56,640,537, C>T on the plus strand (G>A on the coding strand, the complement: DST is on the minus strand). VCF-style: chr6-56640537-C-T. GRCh37 (hg19) VCF-style: chr6-56505335-C-T.
Other names: c.1997G>A, p.Arg666His (NM_001144769.5); c.1583G>A, p.Arg528His (NM_001144770.2); c.2096G>A, p.Arg699His (NM_001374722.1); c.1463G>A, p.Arg488His (NM_001374729.1, NM_001374730.1, NM_001386100.1 and 1 more transcripts); c.2123G>A, p.Arg708His (NM_001374734.1); c.485G>A, p.Arg162His (NM_001723.7, NM_015548.5); c.485G>A (NM_001723.6); short protein forms R699H, R162H, R488H, R528H, R666H, R708H.
Identifiers: ClinVar variation 1476777 (VCV001476777.10), dbSNP rs767792412, ClinGen allele CA3871482.